The following is an entry in ClinVar:

NM_005629.4(SLC6A8):c.1768_1774delinsTGCTGGA (p.Arg590_Gln592delinsCysTrpLys)

Gene: SLC6A8 (solute carrier family 6 member 8; plus strand). Cytogenetic location: Xq28.
Variant type: Indel.
Coding change: c.1768_1774delinsTGCTGGA on transcript NM_005629.4 (MANE Select); coding-DNA positions 1768 to 1774, CGCTGGC replaced by TGCTGGA.
Protein change: p.Arg590_Gln592delinsCysTrpLys.
Molecular consequence: missense variant.
Genome position (GRCh38, 1-based): chrX:153,695,074-153,695,080, CGCTGGC replaced by TGCTGGA. VCF-style: chrX-153695074-CGCTGGC-TGCTGGA. GRCh37 (hg19) VCF-style: chrX-152960529-CGCTGGC-TGCTGGA.
Other names: c.1738_1744delinsTGCTGGA, p.Arg580_Gln582delinsCysTrpLys (NM_001142805.2); c.1423_1429delinsTGCTGGA, p.Arg475_Gln477delinsCysTrpLys (NM_001142806.1).
Identifiers: ClinVar variation 3367678 (VCV003367678.1).

ClinVar aggregate classification (germline): Uncertain significance (1 of 4 stars; one submission).

Submission:

GeneDx
Classification: Uncertain significance. Last evaluated: 2024-01-06. Review status: criteria provided, single submitter. Criteria: GeneDx Variant Classification Process June 2021. Collection method: clinical testing. Allele origin: germline. Affected: yes.
Comment: Not observed at significant frequency in large population cohorts (gnomAD); In-frame deletion of 3 amino acids and in-frame insertion of 3 amino acids in a non-repeat region; In silico analysis supports a deleterious effect on protein structure/function; Has not been previously published as pathogenic or benign to our knowledge